The following is an entry in ClinVar:

NM_182931.3(KMT2E):c.5269A>G (p.Thr1757Ala)

Gene: KMT2E (lysine methyltransferase 2E (inactive); plus strand). Cytogenetic location: 7q22.3.
Variant type: single nucleotide variant.
Coding change: c.5269A>G on transcript NM_182931.3 (MANE Select); coding-DNA position 5269, A replaced by G.
Protein change: p.Thr1757Ala; replaces threonine 1757 with alanine.
Molecular consequence: missense variant.
Genome position (GRCh38, 1-based): chr7:105,113,025, A>G. VCF-style: chr7-105113025-A-G. GRCh37 (hg19) VCF-style: chr7-104753472-A-G.
Other names: c.5143A>G, p.Thr1715Ala (NM_001410908.1); c.5269A>G, p.Thr1757Ala (NM_018682.4); short protein forms T1757A, T1715A.
Identifiers: ClinVar variation 2987414 (VCV002987414.4), dbSNP rs371472598, ClinGen allele CA4424952.

ClinVar aggregate classification (germline): Conflicting classifications of pathogenicity. Review status: criteria provided, conflicting classifications (1 of 4 stars). 2 submissions from 2 submitters: Uncertain significance (1); Likely benign (1). Last evaluated 2024-08-16.

Allele frequency attached by ClinVar (database versions not stated): gnomAD 0.00003; TOPMed 0.00003; ExAC 0.00007; 1000 Genomes Project 30x 0.00016; 1000 Genomes Project 0.00020.
gnomAD v4.1: 40 of 1,613,714 alleles (0.0025%); highest among the groups gnomAD compares: South Asian, 0.0055%; no homozygotes.

Submissions (2):

Labcorp Genetics (formerly Invitae), Labcorp
Classification: Uncertain significance. Last evaluated: 2024-08-16. Review status: criteria provided, single submitter. Criteria: Invitae Variant Classification Sherloc (09022015). Collection method: clinical testing. Allele origin: germline.
Comment: This sequence change replaces threonine, which is neutral and polar, with alanine, which is neutral and non-polar, at codon 1757 of the KMT2E protein (p.Thr1757Ala). This variant is present in population databases (rs371472598, gnomAD 0.01%). This variant has not been reported in the literature in individuals affected with KMT2E-related conditions. An algorithm developed to predict the effect of missense changes on protein structure and function outputs the following: PolyPhen-2: "Benign". The alanine amino acid residue is found in multiple mammalian species, which suggests that this missense change does not adversely affect protein function. In summary, the available evidence is currently insufficient to determine the role of this variant in disease. Therefore, it has been classified as a Variant of Uncertain Significance.

Blueprint Genetics
Classification: Likely benign. Last evaluated: 2023-03-02. Review status: criteria provided, single submitter. Criteria: ACMG Guidelines, 2015. Collection method: clinical testing. Allele origin: germline.